The following is an entry in ClinVar:

NM_001199397.3(NEK1):c.501A>T (p.Pro167=)

Gene: NEK1 (NIMA related kinase 1; minus strand). Cytogenetic location: 4q33.
Variant type: single nucleotide variant.
Coding change: c.501A>T on transcript NM_001199397.3 (MANE Select); coding-DNA position 501, A replaced by T.
Protein change: p.Pro167=; no amino-acid change (proline 167 retained).
Molecular consequence: synonymous variant. On other transcripts: non-coding transcript variant (2).
Genome position (GRCh38, 1-based): chr4:169,588,699, T>A on the plus strand (A>T on the coding strand, the complement: NEK1 is on the minus strand). VCF-style: chr4-169588699-T-A. GRCh37 (hg19) VCF-style: chr4-170509850-T-A.
Other names: c.501A>T, p.Pro167= (NM_001199398.3, NM_001199399.3, NM_001199400.3 and 7 more transcripts).
Identifiers: ClinVar variation 737918 (VCV000737918.8), dbSNP rs1580995784, ClinGen allele CA442297199.

ClinVar aggregate classification (germline): Likely benign. Review status: criteria provided, multiple submitters, no conflicts (2 of 4 stars). 2 submissions from 2 submitters: Likely benign (2). Last evaluated 2026-01-01.

Allele frequency attached by ClinVar (database versions not stated): TOPMed below 0.00001.

Submissions (2):

CeGaT Center for Human Genetics Tuebingen
Classification: Likely benign. Last evaluated: 2026-01-01. Review status: criteria provided, single submitter. Criteria: CeGaT Center For Human Genetics Tuebingen Variant Classification Criteria Version 2. Collection method: clinical testing. Allele origin: germline. Affected: yes. Observed: 1 variant allele.
Comment: NEK1: PM2:Supporting, BP4, BP7

Labcorp Genetics (formerly Invitae), Labcorp
Classification: Likely benign. Last evaluated: 2018-04-10. Review status: criteria provided, single submitter. Criteria: Invitae Variant Classification Sherloc (09022015). Collection method: clinical testing. Allele origin: germline.